The following is an entry in ClinVar:

NC_000005.10:g.(?_132557325)_(132557463_?)dup

Gene: RAD50 (RAD50 double strand break repair protein; plus strand). Cytogenetic location: 5q31.1.
Variant type: Duplication.
Identifiers: ClinVar variation 830633 (VCV000830633.6).

ClinVar aggregate classification (germline): Uncertain significance (1 of 4 stars; one submission).

Conditions:
Hereditary cancer-predisposing syndrome. Also called: Hereditary neoplastic syndrome; Neoplastic Syndromes, Hereditary; Tumor predisposition; Hereditary Cancer Syndrome. Identifiers: Orphanet 140162, MedGen C0027672, MeSH D009386, MONDO:0015356.

Submission:

Labcorp Genetics (formerly Invitae), Labcorp
Classification: Uncertain significance for Hereditary cancer-predisposing syndrome. Last evaluated: 2023-11-10. Review status: criteria provided, single submitter. Criteria: Invitae Variant Classification Sherloc (09022015). Collection method: clinical testing. Allele origin: germline.
Comment: This variant results in a copy number gain of the genomic region encompassing exon(s) 1 of the RAD50 gene. This region includes the initiator codon of the gene. This copy number gain extends beyond the assayed region for this gene and therefore may encompass additional genes. As the precise location of this event is unknown, it may be in tandem or it may be located elsewhere in the genome. This variant has not been reported in the literature in individuals affected with RAD50-related conditions. Experimental studies and prediction algorithms are not available or were not evaluated, and the functional significance of this variant is currently unknown. In summary, the available evidence is currently insufficient to determine the role of this variant in disease. Therefore, it has been classified as a Variant of Uncertain Significance.